The following is an entry in ClinVar:

ClinVar aggregate classification (germline): Uncertain significance (1 of 4 stars; one submission).

gnomAD v4.1: 1 of 1,614,194 alleles (0.000062%); highest among the groups gnomAD compares: Non-Finnish European, 0.000085%; no homozygotes.

Submission:

Labcorp Genetics (formerly Invitae), Labcorp
Classification: Uncertain significance. Last evaluated: 2024-08-14. Review status: criteria provided, single submitter. Criteria: Invitae Variant Classification Sherloc (09022015). Collection method: clinical testing. Allele origin: germline.
Comment: This sequence change replaces threonine, which is neutral and polar, with methionine, which is neutral and non-polar, at codon 55 of the TXN2 protein (p.Thr55Met). This variant is not present in population databases (gnomAD no frequency). This variant has not been reported in the literature in individuals affected with TXN2-related conditions. An algorithm developed to predict the effect of missense changes on protein structure and function (PolyPhen-2) suggests that this variant is likely to be disruptive. In summary, the available evidence is currently insufficient to determine the role of this variant in disease. Therefore, it has been classified as a Variant of Uncertain Significance.

NM_012473.4(TXN2):c.164C>T (p.Thr55Met)

Gene: TXN2 (thioredoxin 2; minus strand). Cytogenetic location: 22q12.3.
Variant type: single nucleotide variant.
Coding change: c.164C>T on transcript NM_012473.4 (MANE Select); coding-DNA position 164, C replaced by T.
Protein change: p.Thr55Met; replaces threonine 55 with methionine.
Molecular consequence: missense variant.
Genome position (GRCh38, 1-based): chr22:36,480,674, G>A on the plus strand (C>T on the coding strand, the complement: TXN2 is on the minus strand). VCF-style: chr22-36480674-G-A. GRCh37 (hg19) VCF-style: chr22-36876721-G-A.
Other names: short protein forms T55M.
Identifiers: ClinVar variation 3675130 (VCV003675130.2).